The following is an entry in ClinVar:

ClinVar aggregate classification (germline): Likely pathogenic (1 of 4 stars; one submission).

Submission:

Labcorp Genetics (formerly Invitae), Labcorp
Classification: Likely pathogenic. Last evaluated: 2021-04-23. Review status: criteria provided, single submitter. Criteria: Invitae Variant Classification Sherloc (09022015). Collection method: clinical testing. Allele origin: germline.
Comment: In summary, the currently available evidence indicates that the variant is pathogenic, but additional data are needed to prove that conclusively. Therefore, this variant has been classified as Likely Pathogenic. Algorithms developed to predict the effect of sequence changes on RNA splicing suggest that this variant may disrupt the consensus splice site, but this prediction has not been confirmed by published transcriptional studies. This variant has not been reported in the literature in individuals with NBAS-related conditions. This variant is not present in population databases (ExAC no frequency). This sequence change affects an acceptor splice site in intron 13 of the NBAS gene. It is expected to disrupt RNA splicing. Variants that disrupt the donor or acceptor splice site typically lead to a loss of protein function (PMID: 16199547), and loss-of-function variants in NBAS are known to be pathogenic (PMID: 26073778, 26541327, 27789416, 28031453).

Literature cited by the submitters: PubMed 16199547; PubMed 26073778; PubMed 26541327; PubMed 27789416; PubMed 28031453.

NM_015909.4(NBAS):c.1148-1G>T

Gene: NBAS (NBAS subunit of NRZ tethering complex; minus strand). Cytogenetic location: 2p24.3.
Variant type: single nucleotide variant.
Coding change: c.1148-1G>T on transcript NM_015909.4 (MANE Select); the canonical splice acceptor site of the intron before coding-DNA position 1148, G replaced by T.
Molecular consequence: splice acceptor variant.
Genome position (GRCh38, 1-based): chr2:15,475,881, C>A on the plus strand (G>T on the coding strand, the complement: NBAS is on the minus strand). VCF-style: chr2-15475881-C-A. GRCh37 (hg19) VCF-style: chr2-15616005-C-A.
Identifiers: ClinVar variation 1467842 (VCV001467842.8), dbSNP rs1680171310, ClinGen allele CA345891519.
Genomic context (GRCh38, chr2:15,475,881, plus strand): 5'-AAGTCACTGCACTGTCTGCCCACCAATTGACATCTATCAGTGGGTAAAAGGACTCTTTAT[C>A]TAAGAAGCGAAAAACAAATCAATACAAATGCATCTGCTAATGTGGTTTAAATTCAAAATA-3'